The following continues an entry in ClinVar:

NM_005228.5(EGFR):c.2369C>T (p.Thr790Met)

ClinVar aggregate classification (germline): drug response. drug response (2). ClinVar aggregate classification (somatic clinical impact): Tier I - Strong. ClinVar aggregate classification (oncogenicity): Oncogenic.

Submissions 7 to 16 of 16:

Center for Genomic Medicine, Rigshospitalet, Copenhagen University Hospital
Classification: Oncogenic for Neoplasm. Last evaluated: 2025-03-04. Review status: criteria provided, single submitter. Criteria: ClinGen/CGC/VICC Guidelines for Oncogenicity, 2022. Collection method: clinical testing. Allele origin: somatic. Affected: yes.

Quest Diagnostics Nichols Institute San Juan Capistrano
Classification: Likely pathogenic. Last evaluated: 2024-12-31. Review status: criteria provided, single submitter. Criteria: Quest Diagnostics criteria. Collection method: clinical testing. Allele origin: unknown. Not counted in ClinVar's aggregate classification.
Comment: The EGFR c.2369C>T (p.Thr790Met) variant has been reported in the published literature in individuals with lung cancer (PMID: 33858029 (2021), 34012789 (2021), 30610926 (2019), 28947568 (2017), 28843361 (2017), 26700910 (2016), 23540867 (2013), 22588155 (2012), 22588155 (2012), 21252721 (2011)), breast cancer (PMID: 37265791 (2023)), and sarcoma (PMID: 35573754 (2022)). As a somatic variant, it confers drug resistance to tyrosine kinase inhibitors (PMID: 36849516 (2023), 24478319 (2014)). Additionally, as a germline variant, it segregates with disease in multiple families and is associated with an increased risk of lung cancer (PMID: 37579253 (2023), 24736066 (2014), 20068085 (2010), 16258541 (2005)). Functional studies indicate that this variant promotes tumor development and drug resistance (PMID: 39066480 (2024), 18227510 (2008), 17726540 (2007), 17510392 (2007), 15737014 (2005), 15728811 (2005)). The frequency of this variant in the general population (Genome Aggregation Database) is higher than would generally be expected for pathogenic variants in this gene. Analysis of this variant using bioinformatics tools for the prediction of the effect of amino acid changes on protein structure and function yielded predictions that this variant is damaging. Based on the available information, this variant is classified as likely pathogenic.

Baylor Genetics
Classification: Pathogenic for Inflammatory skin and bowel disease, neonatal, 2. Last evaluated: 2023-12-07. Review status: criteria provided, single submitter. Criteria: ACMG Guidelines, 2015. Collection method: clinical testing. Allele origin: unknown. Not counted in ClinVar's aggregate classification.

GeneDx
Classification: Likely pathogenic. Last evaluated: 2020-09-08. Review status: criteria provided, single submitter. Criteria: GeneDx Variant Classification Process June 2021. Collection method: clinical testing. Allele origin: germline. Affected: yes. Not counted in ClinVar's aggregate classification.
Comment: In summary, in vivo experiments demonstrated that T790M drives lung adenocarcinomas and is required for tumor maintenance (Regales et al., 2007); In vitro experiments demonstrated that T790M activated EGFR signaling pathway and provided a growth advantage for cancer cells (Viskis et al., 2007); In silico analysis, which includes protein predictors and evolutionary conservation, supports a deleterious effect; This variant is associated with the following publications: (PMID: 33504652, 29625052, 30610926, 30225213, 28989039, 23817662, 24736066, 24736080, 24453288, 11423618, 22426079, 26700910, 28125075, 28843361, 28982744, 28947568, 23540867, 19096324, 16258541, 22588155, 20068085, 24478319, 17726540, 18227510, 17510392, 15728811, 18632637, 24053674, 15737014, 27251290, 15272417, 20033049, 21252721, 26799287, 27734950)

Neuberg Centre For Genomic Medicine, NCGM
Classification: Pathogenic for Lung cancer. Review status: criteria provided, single submitter. Criteria: ACMG Guidelines, 2015. Collection method: clinical testing. Allele origin: germline. Affected: yes. Not counted in ClinVar's aggregate classification.
Comment: The missense variant p.T790M in EGFR (NM_005228.5) has been reported in multiple patients with adenocarcinoma of lung. In majority of the cases the mutation has been detected by somatic testing. Germline mutation T790M has been reported in a subset of patients both with and without disease implying incomplete penetrance (Helena Yu A et al, 2014; Gazdar A et al, 2014; Oxnard GR et al, 2012; Tibaldi C et al, 2011). The variant has been classified by the expert review panel in Clin Var as Pathogenic with respect to drug response. It is present in 10 alleles in heterozygote state (0.003%) in the gnomAD database. There is a moderate physicochemical difference between threonine and methionine. The p.T790M missense variant is predicted to be damaging by both SIFT and PolyPhen2. The nucleotide c.2369 in EGFR is predicted conserved by GERP++ and PhyloP across 100 vertebrates. For these reasons, this variant has been classified as Pathogenic.

Institute of Medical Sciences, Banaras Hindu University
Classification: drug response for Tyrosine kinase inhibitor response. Last evaluated: 2020-10-30. Review status: no assertion criteria provided. Collection method: research. Allele origin: somatic. Affected: yes. Not counted in ClinVar's aggregate classification.

Laboratory for Molecular Medicine, Mass General Brigham Personalized Medicine
Classification: drug response for Tyrosine kinase inhibitor response. Last evaluated: 2014-11-11. Review status: no assertion criteria provided. Collection method: clinical testing. Allele origin: somatic. Observed: 85 variant alleles. Not counted in ClinVar's aggregate classification.
Comment: The Thr790Met variant in EGFR has been identified as a somatic change in individuals with non-small cell lung cancer (NSCLC) that have an acquired resistance to EGFR-tyrosine kinase inhibitors (TKIs), often in combination with other EGFR kinase domain mutations (Pao 2005). This variant has been found to arise in 60% of patients with acquired resistance to TKIs. In summary, the Thr790Met variant meets our criteria to be classified as resistant.

Laboratory for Molecular Medicine, Mass General Brigham Personalized Medicine
Classification: Likely pathogenic for Non-Small Cell Lung Cancer. Last evaluated: 2014-11-11. Review status: no assertion criteria provided. Collection method: clinical testing. Allele origin: germline. Observed: 85 variant alleles. Not counted in ClinVar's aggregate classification.
Comment: The p.Thr790Met variant in EGFR has been identified as a somatic change in individuals with non-small cell lung cancer (NSCLC) that have an acquired resistance to EGFR-tyrosine kinase inhibitors (TKIs), often in combination with other EGFR kinase domain mutations (Pao 2005). In addition, this variant has been identified as a germline mutation in at least 14 unrelated individuals with NSCLC (including never smokers; Bell 2005, Prudkin 2009, Girard 2010, Tibaldi 2011, Oxnard 2012, Thomas 2013, Gazdar 2014, Yu 2014) and segregated with lung cancer and pulmonary disease in at least 4 affected individuals from 3 families (Bell 2005, Gazdar 2012, Yu 2014). This variant was absent from large population studies. While the literature reports strongly suggest that the p.Thr790Met variant can predispose to lung cancer, the penetrance of a germline p.Thr790Met variant has not been established and the functional impact of this variant in the germline is not well understood. In summary, this variant is likely to be pathogenic, though additional studies are required to fully establish its clinical significance.

OMIM
Classification: Pathogenic for NONSMALL CELL LUNG CANCER, RESISTANCE TO TYROSINE KINASE INHIBITOR IN, SOMATIC. Last evaluated: 2009-12-24. Review status: no assertion criteria provided. Collection method: literature only. Allele origin: somatic. Not counted in ClinVar's aggregate classification.

Key Laboratory of Carcinogenesis and Cancer Invasion, Central South University
Classification: Likely pathogenic for Adenocarcinoma of lung. Review status: no assertion criteria provided. Collection method: clinical testing. Allele origin: somatic. Affected: yes. Not counted in ClinVar's aggregate classification.

Literature cited by the submitters: PubMed 15737014 (cited by 6 submitters); PubMed 17085664 (cited by ClinPGx); PubMed 18093943 (cited by ClinPGx); PubMed 18596266 (cited by ClinPGx); PubMed 19381876 (cited by ClinPGx); PubMed 20129249 (cited by ClinPGx); PubMed 21233402 (cited by ClinPGx); PubMed 21248300 (cited by ClinPGx); PubMed 21430269 (cited by ClinPGx); PubMed 21921847 (cited by ClinPGx); PubMed 22215752 (cited by ClinPGx); PubMed 16258541 (cited by 6 submitters); PubMed 16912157 (cited by ClinPGx); PubMed 17020982 (cited by ClinPGx); PubMed 18981003 (cited by ClinPGx); PubMed 18992959 (cited by ClinPGx); PubMed 19589612 (cited by ClinPGx); PubMed 21252721 (cited by 4 submitters); PubMed 23540867 (cited by 4 submitters); PubMed 24736066 (cited by 4 submitters); PubMed 24736080 (cited by 3 submitters); PubMed 26700910 (cited by 3 submitters); PubMed 37579253 (cited by Labcorp Genetics (formerly Invitae), Labcorp and Quest Diagnostics Nichols Institute San Juan Capistrano); PubMed 15728811 (cited by 5 submitters); PubMed 17510392 (cited by 4 submitters); PubMed 17726540 (cited by 3 submitters); PubMed 18227510 (cited by 5 submitters); PubMed 19096324 (cited by Ambry Genetics and Laboratory for Molecular Medicine, Mass General Brigham Personalized Medicine); PubMed 20068085 (cited by 3 submitters); PubMed 22588155 (cited by 3 submitters); PubMed 28947568 (cited by Ambry Genetics and Quest Diagnostics Nichols Institute San Juan Capistrano); PubMed 30610926 (cited by Ambry Genetics and Quest Diagnostics Nichols Institute San Juan Capistrano); PubMed 33858029 (cited by Ambry Genetics and Quest Diagnostics Nichols Institute San Juan Capistrano); PubMed 20026433 (cited by Center for Genomic Medicine, Rigshospitalet, Copenhagen University Hospital); PubMed 30952700 (cited by Center for Genomic Medicine, Rigshospitalet, Copenhagen University Hospital); PubMed 17671201 (cited by Center for Genomic Medicine, Rigshospitalet, Copenhagen University Hospital); PubMed 36849516 (cited by Quest Diagnostics Nichols Institute San Juan Capistrano); PubMed 39066480 (cited by Quest Diagnostics Nichols Institute San Juan Capistrano); PubMed 24478319 (cited by Quest Diagnostics Nichols Institute San Juan Capistrano and Laboratory for Molecular Medicine, Mass General Brigham Personalized Medicine); PubMed 34012789 (cited by Quest Diagnostics Nichols Institute San Juan Capistrano); PubMed 28843361 (cited by Quest Diagnostics Nichols Institute San Juan Capistrano); PubMed 37265791 (cited by Quest Diagnostics Nichols Institute San Juan Capistrano); PubMed 35573754 (cited by Quest Diagnostics Nichols Institute San Juan Capistrano); PubMed 24453288 (cited by Laboratory for Molecular Medicine, Mass General Brigham Personalized Medicine); PubMed 24202392 (cited by Laboratory for Molecular Medicine, Mass General Brigham Personalized Medicine); PubMed 15272417 (cited by Laboratory for Molecular Medicine, Mass General Brigham Personalized Medicine); PubMed 11423618 (cited by OMIM); PubMed 15901872 (cited by OMIM); PubMed 20033049 (cited by OMIM).